The following is an entry in ClinVar:

NM_001447.3(FAT2):c.12350C>T (p.Pro4117Leu)

Genes: FAT2 (FAT atypical cadherin 2; minus strand), SLC36A1 (solute carrier family 36 member 1; plus strand). Cytogenetic location: 5q33.1.
Variant type: single nucleotide variant.
Coding change: c.12350C>T on transcript NM_001447.3 (MANE Select); coding-DNA position 12350, C replaced by T.
Protein change: p.Pro4117Leu; replaces proline 4117 with leucine.
Molecular consequence: missense variant.
Genome position (GRCh38, 1-based): chr5:151,507,321, G>A on the plus strand (C>T on the coding strand, the complement: FAT2 is on the minus strand). VCF-style: chr5-151507321-G-A. GRCh37 (hg19) VCF-style: chr5-150886882-G-A.
Other names: short protein forms P4117L.
Identifiers: ClinVar variation 1249251 (VCV001249251.10), dbSNP rs1105168, ClinGen allele CA3519798.

ClinVar aggregate classification (germline): Benign. Review status: criteria provided, multiple submitters, no conflicts (2 of 4 stars). 4 submissions from 4 submitters: Benign (3). 1 of the submissions does not count toward it. Last evaluated 2026-02-03.

Conditions:
Spinocerebellar ataxia 45. Identifiers: Orphanet 589527, MedGen C4540400, MONDO:0033480, OMIM 617769.
FAT2-related disorder. Also called: FAT2-related condition.

Allele frequency attached by ClinVar (database versions not stated): ESP Exome Variant Server 0.65362; ExAC 0.66426; gnomAD 0.67292 and 0.66830; gnomAD exomes 0.65925 and 0.59042; 1000 Genomes Project 30x 0.77592; 1000 Genomes Project 0.77696; TOPMed 0.68392.
gnomAD v4.1: 966,608 of 1,613,958 alleles (60%); highest among the groups gnomAD compares: African/African-American, 86%; 297,016 homozygotes.

Submissions (4):

Labcorp Genetics (formerly Invitae), Labcorp
Classification: Benign. Last evaluated: 2026-02-03. Review status: criteria provided, single submitter. Criteria: Invitae Variant Classification Sherloc (09022015). Collection method: clinical testing. Allele origin: germline.

Genome-Nilou Lab
Classification: Benign for Spinocerebellar ataxia 45. Last evaluated: 2021-08-10. Review status: criteria provided, single submitter. Criteria: ACMG Guidelines, 2015. Collection method: clinical testing. Allele origin: germline. Affected: no.

GeneDx
Classification: Benign. Last evaluated: 2021-05-04. Review status: criteria provided, single submitter. Criteria: GeneDx Variant Classification Process June 2021. Collection method: clinical testing. Allele origin: germline. Affected: yes.

PreventionGenetics, part of Exact Sciences
Classification: Benign for FAT2-related condition. Last evaluated: 2019-07-08. Review status: no assertion criteria provided. Collection method: clinical testing. Allele origin: germline. Not counted in ClinVar's aggregate classification.
Comment: This variant is classified as benign based on ACMG/AMP sequence variant interpretation guidelines (Richards et al. 2015 PMID: 25741868, with internal and published modifications).